The following is an entry in ClinVar:

NM_002206.3(ITGA7):c.762C>T (p.Ala254=)

Gene: ITGA7 (integrin subunit alpha 7; minus strand). Cytogenetic location: 12q13.2.
Variant type: single nucleotide variant.
Coding change: c.762C>T on transcript NM_002206.3 (MANE Select); coding-DNA position 762, C replaced by T.
Protein change: p.Ala254=; no amino-acid change (alanine 254 retained).
Molecular consequence: synonymous variant. On other transcripts: intron variant (7).
Genome position (GRCh38, 1-based): chr12:55,699,898, G>A on the plus strand (C>T on the coding strand, the complement: ITGA7 is on the minus strand). VCF-style: chr12-55699898-G-A. GRCh37 (hg19) VCF-style: chr12-56093682-G-A.
Other names: c.762C>T, p.Ala254= (NM_001374465.1, NM_001414031.1, NM_001414034.1); c.894C>T, p.Ala298= (NM_001410977.1); c.579C>T, p.Ala193= (NM_001414033.1); c.423C>T, p.Ala141= (NM_001414035.1); c.511+364C>T (NM_001144997.2); c.463+364C>T (NM_001367993.1); c.-502-981C>T (NM_001367994.1); c.671-981C>T (NM_001414032.1); and 1 more.
Identifiers: ClinVar variation 698180 (VCV000698180.37), dbSNP rs376003902, ClinGen allele CA6616182.

ClinVar aggregate classification (germline): Likely benign. Review status: criteria provided, multiple submitters, no conflicts (2 of 4 stars). 4 submissions from 4 submitters: Likely benign (3). 1 of the submissions does not count toward it. Last evaluated 2025-10-29.

Conditions:
Congenital muscular dystrophy due to integrin alpha-7 deficiency. Also called: MYOPATHY, CONGENITAL, DUE TO INTEGRIN ALPHA-7 DEFICIENCY; Congenital muscular dystrophy with integrin alpha-7 deficiency; Muscular dystrophy, congenital, due to ITGA7 deficiency. Identifiers: Orphanet 34520, MedGen C2750786, MONDO:0013177, OMIM 613204.
ITGA7-related disorder. Also called: ITGA7-related condition.

Allele frequency attached by ClinVar (database versions not stated): TOPMed 0.00008; ESP Exome Variant Server 0.00015.
gnomAD v4.1: 214 of 1,612,310 alleles (0.013%); highest among the groups gnomAD compares: South Asian, 0.051%; 1 homozygote.

Submissions (4):

Labcorp Genetics (formerly Invitae), Labcorp
Classification: Likely benign for Congenital muscular dystrophy due to integrin alpha-7 deficiency. Last evaluated: 2025-10-29. Review status: criteria provided, single submitter. Criteria: Invitae Variant Classification Sherloc (09022015). Collection method: clinical testing. Allele origin: germline.

Blueprint Genetics
Classification: Likely benign. Last evaluated: 2024-06-19. Review status: criteria provided, single submitter. Criteria: ACMG Guidelines, 2015. Collection method: clinical testing. Allele origin: germline.

CeGaT Center for Human Genetics Tuebingen
Classification: Likely benign. Last evaluated: 2022-12-01. Review status: criteria provided, single submitter. Criteria: CeGaT Center For Human Genetics Tuebingen Variant Classification Criteria Version 2. Collection method: clinical testing. Allele origin: germline. Affected: yes. Observed: 3 variant alleles.
Comment: ITGA7: BP4, BP7

PreventionGenetics, part of Exact Sciences
Classification: Likely benign for ITGA7-related condition. Last evaluated: 2019-07-02. Review status: no assertion criteria provided. Collection method: clinical testing. Allele origin: germline. Not counted in ClinVar's aggregate classification.
Comment: This variant is classified as likely benign based on ACMG/AMP sequence variant interpretation guidelines (Richards et al. 2015 PMID: 25741868, with internal and published modifications).